The following is an entry in ClinVar:

NM_014946.4(SPAST):c.1536+5G>A

Gene: SPAST (spastin; plus strand). Cytogenetic location: 2p22.3.
Variant type: single nucleotide variant.
Coding change: c.1536+5G>A on transcript NM_014946.4 (MANE Select); 5 bases into the intron after coding-DNA position 1536, G replaced by A.
Molecular consequence: intron variant.
Genome position (GRCh38, 1-based): chr2:32,141,951, G>A. VCF-style: chr2-32141951-G-A. GRCh37 (hg19) VCF-style: chr2-32367020-G-A.
Other names: c.1437+5G>A (NM_001363875.2); c.1440+5G>A (NM_199436.2, NM_001377959.1); c.1533+5G>A (NM_001363823.2).
Identifiers: ClinVar variation 1344053 (VCV001344053.6), dbSNP rs1679734284, ClinGen allele CA2573051937.
Genomic context (GRCh38, chr2:32,141,951, plus strand): 5'-TTTTTTTTTTTAGGCGTTTCATCAAACGGGTATATGTGTCTTTACCAAATGAGGAGGTAT[G>A]TATCTGTGTTTGAATTTTTTTTGTTTTAGAGCAGAAACAAGAACTACCATCTTGACAATA-3'

ClinVar aggregate classification (germline): Uncertain significance. Review status: criteria provided, multiple submitters, no conflicts (2 of 4 stars). 2 submissions from 2 submitters: Uncertain significance (2). Last evaluated 2023-06-27.

Conditions:
Hereditary spastic paraplegia. Also called: Familial spastic paraparesis. Identifiers: Orphanet 685, MedGen C0037773, MONDO:0019064. Disease mechanism: loss of function.
Hereditary spastic paraplegia 4. Also called: Familial spastic paraplegia autosomal dominant 2; Spastic Paraplegia 4; Spastic paraplegia 4, autosomal dominant. Identifiers: Orphanet 100985, MedGen C1866855, MONDO:0008438, OMIM 182601.

Submissions (2):

Labcorp Genetics (formerly Invitae), Labcorp
Classification: Uncertain significance for Hereditary spastic paraplegia 4. Last evaluated: 2023-06-27. Review status: criteria provided, single submitter. Criteria: Invitae Variant Classification Sherloc (09022015). Collection method: clinical testing. Allele origin: germline.
Comment: In summary, the available evidence is currently insufficient to determine the role of this variant in disease. Therefore, it has been classified as a Variant of Uncertain Significance. Variants that disrupt the consensus splice site are a relatively common cause of aberrant splicing (PMID: 17576681, 9536098). Algorithms developed to predict the effect of sequence changes on RNA splicing suggest that this variant may disrupt the consensus splice site. ClinVar contains an entry for this variant (Variation ID: 1344053). This variant has not been reported in the literature in individuals affected with SPAST-related conditions. This variant is not present in population databases (gnomAD no frequency). This sequence change falls in intron 13 of the SPAST gene. It does not directly change the encoded amino acid sequence of the SPAST protein. It affects a nucleotide within the consensus splice site.

Genome Diagnostics Laboratory, The Hospital for Sick Children
Classification: Uncertain significance for Hereditary spastic paraplegia. Last evaluated: 2019-11-01. Review status: criteria provided, single submitter. Criteria: ACMG Guidelines, 2015. Collection method: clinical testing. Allele origin: germline. Affected: yes.

Literature cited by the submitters: PubMed 17576681 (cited by Labcorp Genetics (formerly Invitae), Labcorp); PubMed 9536098 (cited by Labcorp Genetics (formerly Invitae), Labcorp).